The following is an entry in ClinVar:

NM_001672.3(ASIP):c.234G>A (p.Ser78=)

Genes: AHCY (adenosylhomocysteinase; minus strand), ASIP (agouti signaling protein; plus strand). Cytogenetic location: 20q11.22.
Variant type: single nucleotide variant.
Coding change: c.234G>A on transcript NM_001672.3 (MANE Select); coding-DNA position 234, G replaced by A.
Protein change: p.Ser78=; no amino-acid change (serine 78 retained).
Molecular consequence: synonymous variant.
Genome position (GRCh38, 1-based): chr20:34,269,002, G>A. VCF-style: chr20-34269002-G-A. GRCh37 (hg19) VCF-style: chr20-32856808-G-A.
Other names: c.234G>A, p.Ser78= (NM_001385218.1).
Identifiers: ClinVar variation 4977561 (VCV004977561.1).
Genomic context (GRCh38, chr20:34,269,002, plus strand): 5'-GGAGGGGTGGGCGTGGCCGGCTCATAAAGCCCCGGCGTTTCCCACGCAGAAGGAGGCTTC[G>A]ATGAAGAAAGTGGTGCGGCCCCGGACCCCCCTATCTGCGCCCTGCGTGGCCACCCGCAAC-3'
Protein context (NP_001663.2, residues 68-88): EKKRSSKKEA[Ser78=]MKKVVRPRTP

ClinVar aggregate classification (germline): Likely benign (1 of 4 stars; one submission).

Conditions:
ASIP-related condition.

gnomAD v4.1: 37 of 1,606,580 alleles (0.0023%); highest among the groups gnomAD compares: Non-Finnish European, 0.0031%; no homozygotes.

Submission:

PreventionGenetics, part of Exact Sciences
Classification: Likely benign for ASIP-related condition. Last evaluated: 2026-09-23. Review status: criteria provided, single submitter. Criteria: ACMG Guidelines, 2015. Collection method: clinical testing. Allele origin: germline.
Comment: This variant is classified as likely benign based on ACMG/AMP sequence variant interpretation guidelines (Richards et al. 2015 PMID: 25741868, with internal and published modifications).